The following is an entry in ClinVar:

NM_004484.4(GPC3):c.1187A>G (p.Lys396Arg)

Gene: GPC3 (glypican 3; minus strand). Cytogenetic location: Xq26.2.
Variant type: single nucleotide variant.
Coding change: c.1187A>G on transcript NM_004484.4 (MANE Select); coding-DNA position 1187, A replaced by G.
Protein change: p.Lys396Arg; replaces lysine 396 with arginine.
Molecular consequence: missense variant.
Genome position (GRCh38, 1-based): chrX:133,692,474, T>C on the plus strand (A>G on the coding strand, the complement: GPC3 is on the minus strand). VCF-style: chrX-133692474-T-C. GRCh37 (hg19) VCF-style: chrX-132826502-T-C.
Other names: c.1256A>G, p.Lys419Arg (NM_001164617.2); c.1139A>G, p.Lys380Arg (NM_001164618.2); c.1025A>G, p.Lys342Arg (NM_001164619.2); short protein forms K380R, K419R, K342R, K396R.
Identifiers: ClinVar variation 2765508 (VCV002765508.3), dbSNP rs2521132713, ClinGen allele CA414705752.
Genomic context (GRCh38, chrX:133,692,474, plus strand): 5'-GCCACAGGGCTATGGCTGCAGATGTAGCCAGGCAAAGCACTATAGAAGCTGATGAAAGAC[T>C]TCAACTTCTGAATTAGTTCCCTAAAAGAAAAACAAAACATCTGTGCATAAGAGGCAAGTA-3'
Protein context (NP_004475.1, residues 386-406): SRRRELIQKL[Lys396Arg]SFISFYSALP

ClinVar aggregate classification (germline): Uncertain significance (1 of 4 stars; one submission).

Conditions:
Wilms tumor 1 (WT1). Also called: Wilms tumor, somatic. Identifiers: Orphanet 654, MedGen CN033288, MONDO:0008679, OMIM 194070.

Submission:

Labcorp Genetics (formerly Invitae), Labcorp
Classification: Uncertain significance for Wilms tumor 1. Last evaluated: 2023-06-04. Review status: criteria provided, single submitter. Criteria: Invitae Variant Classification Sherloc (09022015). Collection method: clinical testing. Allele origin: germline.
Comment: Advanced modeling of protein sequence and biophysical properties (such as structural, functional, and spatial information, amino acid conservation, physicochemical variation, residue mobility, and thermodynamic stability) performed at Invitae indicates that this missense variant is not expected to disrupt GPC3 protein function. In summary, the available evidence is currently insufficient to determine the role of this variant in disease. Therefore, it has been classified as a Variant of Uncertain Significance. This variant has not been reported in the literature in individuals affected with GPC3-related conditions. This variant is not present in population databases (gnomAD no frequency). This sequence change replaces lysine, which is basic and polar, with arginine, which is basic and polar, at codon 396 of the GPC3 protein (p.Lys396Arg).